The following is an entry in ClinVar:

NM_020800.3(IFT80):c.769A>G (p.Lys257Glu)

Genes: TRIM59-IFT80 (TRIM59-IFT80 readthrough (NMD candidate); minus strand), IFT80 (intraflagellar transport 80; minus strand). Cytogenetic location: 3q25.33.
Variant type: single nucleotide variant.
Coding change: c.769A>G on transcript NM_020800.3 (MANE Select); coding-DNA position 769, A replaced by G.
Protein change: p.Lys257Glu; replaces lysine 257 with glutamic acid.
Molecular consequence: missense variant. On other transcripts: non-coding transcript variant (3).
Genome position (GRCh38, 1-based): chr3:160,356,021, T>C on the plus strand (A>G on the coding strand, the complement: IFT80 is on the minus strand). VCF-style: chr3-160356021-T-C. GRCh37 (hg19) VCF-style: chr3-160073809-T-C.
Other names: c.358A>G, p.Lys120Glu (NM_001190241.2, NM_001190242.2); short protein forms K120E, K257E.
Identifiers: ClinVar variation 1473037 (VCV001473037.8), dbSNP rs1273801158, ClinGen allele CA355192690.

ClinVar aggregate classification (germline): Uncertain significance (1 of 4 stars; one submission).

Conditions:
Jeune thoracic dystrophy. Also called: Short-rib thoracic dysplasia; Jeune syndrome; Infantile thoracic dystrophy; Thoracic pelvic phalangeal dystrophy; Jeune's syndrome; Chondroectodermal dysplasia-like syndrome. Identifiers: Orphanet 474, MedGen C0265275, MONDO:0018770.

Allele frequency attached by ClinVar (database versions not stated): TOPMed below 0.00001.

Submission:

Labcorp Genetics (formerly Invitae), Labcorp
Classification: Uncertain significance for Jeune thoracic dystrophy. Last evaluated: 2022-02-23. Review status: criteria provided, single submitter. Criteria: Invitae Variant Classification Sherloc (09022015). Collection method: clinical testing. Allele origin: germline.
Comment: This sequence change replaces lysine, which is basic and polar, with glutamic acid, which is acidic and polar, at codon 257 of the IFT80 protein (p.Lys257Glu). This variant is not present in population databases (gnomAD no frequency). This variant has not been reported in the literature in individuals affected with IFT80-related conditions. Algorithms developed to predict the effect of missense changes on protein structure and function are either unavailable or do not agree on the potential impact of this missense change (SIFT: "Deleterious"; PolyPhen-2: "Benign"; Align-GVGD: "Class C0"). In summary, the available evidence is currently insufficient to determine the role of this variant in disease. Therefore, it has been classified as a Variant of Uncertain Significance.